The following is an entry in ClinVar:

NM_003041.4(SLC5A2):c.500del (p.Gln167fs)

Gene: SLC5A2 (solute carrier family 5 member 2; plus strand). Cytogenetic location: 16p11.2.
Variant type: Deletion.
Coding change: c.500del on transcript NM_003041.4 (MANE Select); coding-DNA position 500, one base deleted (A; older notation c.500delA).
Protein change: p.Gln167fs; shifts the reading frame from glutamine 167.
Molecular consequence: frameshift variant. On other transcripts: non-coding transcript variant (1).
Genome position (GRCh38, 1-based): chr16:31,486,201, A deleted. VCF-style (leftmost placement, unchanged base first): chr16-31486200-CA-C. GRCh37 (hg19) VCF-style: chr16-31497521-CA-C.
Other names: c.500del (NM_003041.3); c.500delA (NM_003041.3); short protein forms Q167fs.
Identifiers: ClinVar variation 12906 (VCV000012906.8), dbSNP rs267607067, ClinGen allele CA122780.

ClinVar aggregate classification (germline): Conflicting classifications of pathogenicity. Review status: criteria provided, conflicting classifications (1 of 4 stars). 5 submissions from 5 submitters: Pathogenic (2); Uncertain significance (1). 2 of the submissions do not count toward it. Last evaluated 2024-03-04.

Conditions:
SLC5A2-related disorder. Also called: SLC5A2-related condition.
Familial renal glucosuria (GLYS). Also called: RENAL GLUCOSURIA, AUTOSOMAL DOMINANT; Familial renal glycosuria. Identifiers: Orphanet 69076, MedGen C3245525, MONDO:0009297, OMIM 233100.

Allele frequency attached by ClinVar (database versions not stated): gnomAD exomes 0.00001 and 0.00006; ExAC 0.00002; gnomAD 0.00007 and 0.00008; TOPMed 0.00008; ESP Exome Variant Server 0.00016.

Submissions (5):

GeneDx
Classification: Uncertain significance. Last evaluated: 2024-03-04. Review status: criteria provided, single submitter. Criteria: GeneDx Variant Classification Process June 2021. Collection method: clinical testing. Allele origin: germline. Affected: yes.
Comment: Frameshift variant predicted to result in protein truncation or nonsense mediated decay in a gene or region of a gene for which loss of function is not a well-established mechanism of disease; This variant is associated with the following publications: (PMID: 31589614, 14614622, 31672324)

Fulgent Genetics
Classification: Pathogenic for Familial renal glucosuria. Last evaluated: 2024-02-10. Review status: criteria provided, single submitter. Criteria: ACMG Guidelines, 2015. Collection method: clinical testing. Allele origin: germline.

Blueprint Genetics
Classification: Pathogenic for SLC5A2-related disorders. Last evaluated: 2022-10-14. Review status: criteria provided, single submitter. Criteria: ACMG Guidelines, 2015. Collection method: clinical testing. Allele origin: germline. Affected: yes. Observed: 1 variant allele.

PreventionGenetics, part of Exact Sciences
Classification: Pathogenic for SLC5A2-related condition. Last evaluated: 2024-06-04. Review status: no assertion criteria provided. Collection method: clinical testing. Allele origin: germline. Not counted in ClinVar's aggregate classification.
Comment: The SLC5A2 c.500delA variant is predicted to result in a frameshift and premature protein termination (p.Gln167Argfs*20). This variant has been reported in the compound heterozygous state in an individual with Renal glucosuria (Calado et al. 2004. PubMed ID: 14614622; Supplement, Hureaux et al. 2019. PubMed ID: 31672324). This variant is reported in 0.0040% of alleles in individuals of African descent in gnomAD. Frameshift variants in SLC5A2 are expected to be pathogenic. This variant is interpreted as pathogenic.

OMIM
Classification: Pathogenic for RENAL GLUCOSURIA. Last evaluated: 2004-02-01. Review status: no assertion criteria provided. Collection method: literature only. Allele origin: germline. Not counted in ClinVar's aggregate classification.

Literature cited by the submitters: PubMed 14614622 (cited by OMIM).